The following is an entry in ClinVar:

ClinVar aggregate classification (germline): Likely benign. Review status: criteria provided, multiple submitters, no conflicts (2 of 4 stars). 2 submissions from 2 submitters: Likely benign (2). Last evaluated 2018-06-16.

Allele frequency attached by ClinVar (database versions not stated): 1000 Genomes Project 0.02875; 1000 Genomes Project 30x 0.02983; TOPMed 0.03791; gnomAD 0.03998.
gnomAD v4.1: 40,600 of 1,273,980 alleles (3.2%); highest among the groups gnomAD compares: African/African-American, 5.1%; 787 homozygotes.

Submissions (2):

GeneDx
Classification: Likely benign. Last evaluated: 2018-06-16. Review status: criteria provided, single submitter. Criteria: GeneDx Variant Classification (06012015). Collection method: clinical testing. Allele origin: germline. Affected: yes.
Comment: This variant is considered likely benign or benign based on one or more of the following criteria: it is a conservative change, it occurs at a poorly conserved position in the protein, it is predicted to be benign by multiple in silico algorithms, and/or has population frequency not consistent with disease.

Breakthrough Genomics
Classification: Likely benign. Review status: criteria provided, single submitter. Criteria: ACMG Guidelines, 2015. Collection method: not provided. Allele origin: germline. Inheritance: Autosomal recessive inheritance. Affected: yes.

NM_182961.4(SYNE1):c.1351-80G>A

Gene: SYNE1 (spectrin repeat containing nuclear envelope protein 1; minus strand). Cytogenetic location: 6q25.2.
Variant type: single nucleotide variant.
Coding change: c.1351-80G>A on transcript NM_182961.4 (MANE Select); 80 bases into the intron before coding-DNA position 1351, G replaced by A.
Molecular consequence: intron variant.
Genome position (GRCh38, 1-based): chr6:152,472,493, C>T on the plus strand (G>A on the coding strand, the complement: SYNE1 is on the minus strand). VCF-style: chr6-152472493-C-T. GRCh37 (hg19) VCF-style: chr6-152793628-C-T.
Other names: c.1372-80G>A (NM_033071.5).
Identifiers: ClinVar variation 674762 (VCV000674762.2), dbSNP rs4530871, ClinGen allele CA150208128.